The following is an entry in ClinVar:

ClinVar aggregate classification (germline): Uncertain significance. Review status: criteria provided, multiple submitters, no conflicts (2 of 4 stars). 2 submissions from 2 submitters: Uncertain significance (2). Last evaluated 2025-04-25.

Conditions:
Inborn genetic diseases. Identifiers: MedGen C0950123, MeSH D030342.

Allele frequency attached by ClinVar (database versions not stated): TOPMed 0.00007; ExAC 0.00008; gnomAD 0.00004; gnomAD exomes 0.00014.
gnomAD v4.1: 209 of 1,613,974 alleles (0.013%); highest among the groups gnomAD compares: Non-Finnish European, 0.017%; no homozygotes.

Submissions (2):

Ambry Genetics
Classification: Uncertain significance for Inborn genetic diseases. Last evaluated: 2025-04-25. Review status: criteria provided, single submitter. Criteria: Ambry Variant Classification Scheme 2023. Collection method: clinical testing. Allele origin: germline.

Labcorp Genetics (formerly Invitae), Labcorp
Classification: Uncertain significance. Last evaluated: 2023-08-19. Review status: criteria provided, single submitter. Criteria: Invitae Variant Classification Sherloc (09022015). Collection method: clinical testing. Allele origin: germline.
Comment: This sequence change replaces asparagine, which is neutral and polar, with aspartic acid, which is acidic and polar, at codon 97 of the USP53 protein (p.Asn97Asp). In summary, the available evidence is currently insufficient to determine the role of this variant in disease. Therefore, it has been classified as a Variant of Uncertain Significance. Advanced modeling of protein sequence and biophysical properties (such as structural, functional, and spatial information, amino acid conservation, physicochemical variation, residue mobility, and thermodynamic stability) performed at Invitae indicates that this missense variant is expected to disrupt USP53 protein function. ClinVar contains an entry for this variant (Variation ID: 2313908). This variant has not been reported in the literature in individuals affected with USP53-related conditions. This variant is present in population databases (rs771472301, gnomAD 0.02%).

NM_001371395.1(USP53):c.289A>G (p.Asn97Asp)

Gene: USP53 (ubiquitin specific peptidase 53; plus strand). Cytogenetic location: 4q26.
Variant type: single nucleotide variant.
Coding change: c.289A>G on transcript NM_001371395.1 (MANE Select); coding-DNA position 289, A replaced by G.
Protein change: p.Asn97Asp; replaces asparagine 97 with aspartic acid.
Molecular consequence: missense variant. On other transcripts: 5 prime UTR variant (6).
Genome position (GRCh38, 1-based): chr4:119,248,799, A>G. VCF-style: chr4-119248799-A-G. GRCh37 (hg19) VCF-style: chr4-120169954-A-G.
Other names: c.289A>G, p.Asn97Asp (NM_001371396.1, NM_001371397.1, NM_001371398.1 and 6 more transcripts); c.-60A>G (NM_001389662.1, NM_001389663.1, NM_001389664.1 and 3 more transcripts); short protein forms N97D.
Identifiers: ClinVar variation 2313908 (VCV002313908.5), dbSNP rs771472301, ClinGen allele CA3058871.
Genomic context (GRCh38, chr4:119,248,799, plus strand): 5'-GATTCCCAGACGATATTTGCACAGTTCCAACACAGTCGAGAAAAAGCACTTCCCTCAGAT[A>G]ACATAAGGCATGCTCTTGCAGAAAGTTTCAAAGATGAGCAGCGATTTCAACTTGGCCTTA-3'
Protein context (NP_001358324.1, residues 87-107): HSREKALPSD[Asn97Asp]IRHALAESFK